The following is an entry in ClinVar:

NM_144997.7(FLCN):c.1432+10C>A

Gene: FLCN (folliculin; minus strand). Cytogenetic location: 17p11.2.
Variant type: single nucleotide variant.
Coding change: c.1432+10C>A on transcript NM_144997.7 (MANE Select); 10 bases into the intron after coding-DNA position 1432, C replaced by A.
Molecular consequence: intron variant.
Genome position (GRCh38, 1-based): chr17:17,215,175, G>T on the plus strand (C>A on the coding strand, the complement: FLCN is on the minus strand). VCF-style: chr17-17215175-G-T. GRCh37 (hg19) VCF-style: chr17-17118489-G-T.
Other names: c.1432+10C>A (NM_001353231.2, NM_001353230.2); c.1486+10C>A (NM_001353229.2).
Identifiers: ClinVar variation 1633395 (VCV001633395.9), dbSNP rs1216451293, ClinGen allele CA2573153088.

ClinVar aggregate classification (germline): Likely benign. Review status: criteria provided, multiple submitters, no conflicts (2 of 4 stars). 2 submissions from 2 submitters: Likely benign (2). Last evaluated 2024-10-25.

Conditions:
Birt-Hogg-Dube syndrome. Also called: Birt Hogg Dubé syndrome. Identifiers: Orphanet 122, MedGen C0346010, MONDO:0800444.
Birt-Hogg-Dube syndrome 1 (BHD1). Also called: FIBROFOLLICULOMAS WITH TRICHODISCOMAS AND ACROCHORDONS. Identifiers: Orphanet 122, MedGen CN375946, MONDO:0800445, OMIM 135150.

Submissions (2):

Myriad Genetics, Inc.
Classification: Likely benign for Birt-Hogg-Dube syndrome 1. Last evaluated: 2024-10-25. Review status: criteria provided, single submitter. Criteria: Myriad Autosomal Dominant, Autosomal Recessive and X-Linked Classification Criteria (2023). Collection method: clinical testing. Allele origin: unknown.
Comment: This variant is considered likely benign. This variant is intronic and is not expected to impact mRNA splicing.

Labcorp Genetics (formerly Invitae), Labcorp
Classification: Likely benign for Birt-Hogg-Dube syndrome. Last evaluated: 2022-10-20. Review status: criteria provided, single submitter. Criteria: Invitae Variant Classification Sherloc (09022015). Collection method: clinical testing. Allele origin: germline.